The following is an entry in ClinVar:

ClinVar aggregate classification (germline): Uncertain significance (1 of 4 stars; one submission).

Conditions:
Inborn genetic diseases. Identifiers: MedGen C0950123, MeSH D030342.

gnomAD v4.1: 1 of 1,571,860 alleles (0.000064%); highest among the groups gnomAD compares: Non-Finnish European, 0.000086%; no homozygotes.

Submission:

Ambry Genetics
Classification: Uncertain significance for Inborn genetic diseases. Last evaluated: 2025-10-26. Review status: criteria provided, single submitter. Criteria: Ambry Variant Classification Scheme 2023. Collection method: clinical testing. Allele origin: germline.
Comment: The p.R741S variant (also known as c.2223G>T) is located in coding exon 25 of the FANCA gene. The arginine at codon 741 is replaced by serine, an amino acid with dissimilar properties. This change occurs in the first base pair of coding exon 25. This amino acid position is conserved. In addition, the in silico prediction for this alteration is inconclusive. Based on the available evidence, the clinical significance of this variant remains unclear.

NM_000135.4(FANCA):c.2223G>T (p.Arg741Ser)

Gene: FANCA (FA complementation group A; minus strand). Cytogenetic location: 16q24.3.
Variant type: single nucleotide variant.
Coding change: c.2223G>T on transcript NM_000135.4 (MANE Select); coding-DNA position 2223, G replaced by T.
Protein change: p.Arg741Ser; replaces arginine 741 with serine.
Molecular consequence: missense variant.
Genome position (GRCh38, 1-based): chr16:89,770,259, C>A on the plus strand (G>T on the coding strand, the complement: FANCA is on the minus strand). VCF-style: chr16-89770259-C-A. GRCh37 (hg19) VCF-style: chr16-89836667-C-A.
Other names: c.2223G>T, p.Arg741Ser (NM_001286167.3); short protein forms R741S.
Identifiers: ClinVar variation 4619223 (VCV004619223.1).
Genomic context (GRCh38, chr16:89,770,259, plus strand): 5'-CACTGCAGGGAGCACACGTCCACACATGGTCCTCACGAAGAGGGCAGCCCAGGGACCCTG[C>A]CTGCAGAGACAGCCGTGAAACCATCAGTACTAGCCATTCAGTCCTGCACATCCCTCCAAC-3'
Protein context (NP_000126.2, residues 731-751): MAASSVAPPE[Arg741Ser]QGPWAALFVR